The following is an entry in ClinVar:

ClinVar aggregate classification (germline): Likely benign (1 of 4 stars; one submission).

Conditions:
GATA1-related disorder. Also called: GATA1-related condition.

Submission:

PreventionGenetics, part of Exact Sciences
Classification: Likely benign for GATA1-related condition. Last evaluated: 2026-07-14. Review status: criteria provided, single submitter. Criteria: ACMG Guidelines, 2015. Collection method: clinical testing. Allele origin: germline.
Comment: This variant is classified as likely benign based on ACMG/AMP sequence variant interpretation guidelines (Richards et al. 2015 PMID: 25741868, with internal and published modifications).

NM_002049.4(GATA1):c.1077T>A (p.Gly359=)

Gene: GATA1 (GATA binding protein 1; plus strand). Cytogenetic location: Xp11.23.
Variant type: single nucleotide variant.
Coding change: c.1077T>A on transcript NM_002049.4 (MANE Select); coding-DNA position 1077, T replaced by A.
Protein change: p.Gly359=; no amino-acid change (glycine 359 retained).
Molecular consequence: synonymous variant.
Genome position (GRCh38, 1-based): chrX:48,793,999, T>A. VCF-style: chrX-48793999-T-A. GRCh37 (hg19) VCF-style: chrX-48652406-T-A.
Identifiers: ClinVar variation 4995425 (VCV004995425.1).
Genomic context (GRCh38, chrX:48,793,999, plus strand): 5'-GGGCAGCGGTAGCGGGAATTGTGGGGAGGTGGCTTCAGGCCTGACACTGGGCCCCCCAGG[T>A]ACTGCCCATCTCTACCAAGGCCTGGGCCCTGTGGTGCTGTCAGGGCCTGTTAGCCACCTC-3'
Protein context (NP_002040.1, residues 349-369): VASGLTLGPP[Gly359=]TAHLYQGLGP